The following is an entry in ClinVar:

ClinVar aggregate classification (germline): Likely benign (1 of 4 stars; one submission).

Submission:

CeGaT Center for Human Genetics Tuebingen
Classification: Likely benign. Last evaluated: 2024-08-01. Review status: criteria provided, single submitter. Criteria: CeGaT Center For Human Genetics Tuebingen Variant Classification Criteria Version 2. Collection method: clinical testing. Allele origin: germline. Affected: yes. Observed: 1 variant allele.
Comment: FCGBP: BP4, BP7, BS2

NM_003890.3(FCGBP):c.13308C>T (p.Cys4436=)

Gene: FCGBP (Fc gamma binding protein; minus strand). Cytogenetic location: 19q13.2.
Variant type: single nucleotide variant.
Coding change: c.13308C>T on transcript NM_003890.3 (MANE Select); coding-DNA position 13308, C replaced by T.
Protein change: p.Cys4436=; no amino-acid change (cysteine 4436 retained).
Molecular consequence: synonymous variant.
Genome position (GRCh38, 1-based): chr19:39,877,012, G>A on the plus strand (C>T on the coding strand, the complement: FCGBP is on the minus strand). VCF-style: chr19-39877012-G-A. GRCh37 (hg19) VCF-style: chr19-40367652-G-A.
Identifiers: ClinVar variation 3341681 (VCV003341681.16).